The following is an entry in ClinVar:

NM_015909.4(NBAS):c.5934T>C (p.Asn1978=)

Gene: NBAS (NBAS subunit of NRZ tethering complex; minus strand). Cytogenetic location: 2p24.3.
Variant type: single nucleotide variant.
Coding change: c.5934T>C on transcript NM_015909.4 (MANE Select); coding-DNA position 5934, T replaced by C.
Protein change: p.Asn1978=; no amino-acid change (asparagine 1978 retained).
Molecular consequence: synonymous variant. On other transcripts: non-coding transcript variant (1).
Genome position (GRCh38, 1-based): chr2:15,238,477, A>G on the plus strand (T>C on the coding strand, the complement: NBAS is on the minus strand). VCF-style: chr2-15238477-A-G. GRCh37 (hg19) VCF-style: chr2-15378601-A-G.
Other names: c.5934T>C (NM_015909.3).
Identifiers: ClinVar variation 1659677 (VCV001659677.9), dbSNP rs752896593, ClinGen allele CA1535174.
Genomic context (GRCh38, chr2:15,238,477, plus strand): 5'-GAAAGAATATACTGATACAGAGTGAGCATATAGAAGTTCCCATTTCTTTACCTGCTCACT[A>G]TTCTTCAGAGAAAGGATGAAGCTGTGGCTCAGGGTTTCCAGGTGGGCAAGTGATTTCTCC-3'
Protein context (NP_056993.2, residues 1968-1988): LSHSFILSLK[Asn1978=]SEQETLQKYS

ClinVar aggregate classification (germline): Likely benign. Review status: criteria provided, multiple submitters, no conflicts (2 of 4 stars). 2 submissions from 2 submitters: Likely benign (2). Last evaluated 2025-11-12.

Conditions:
NBAS-related disorder. Also called: NBAS-related condition.

Allele frequency attached by ClinVar (database versions not stated): gnomAD exomes below 0.00001 and 0.00001; gnomAD 0.00001; ExAC 0.00002; TOPMed 0.00002.
gnomAD v4.1: 5 of 1,613,998 alleles (0.00031%); highest among the groups gnomAD compares: African/African-American, 0.004%; no homozygotes.

Submissions (2):

Labcorp Genetics (formerly Invitae), Labcorp
Classification: Likely benign. Last evaluated: 2025-11-12. Review status: criteria provided, single submitter. Criteria: Invitae Variant Classification Sherloc (09022015). Collection method: clinical testing. Allele origin: germline.

PreventionGenetics, part of Exact Sciences
Classification: Likely benign for NBAS-related condition. Last evaluated: 2025-09-22. Review status: criteria provided, single submitter. Criteria: ACMG Guidelines, 2015. Collection method: clinical testing. Allele origin: germline.
Comment: This variant is classified as likely benign based on ACMG/AMP sequence variant interpretation guidelines (Richards et al. 2015 PMID: 25741868, with internal and published modifications).